The following is an entry in ClinVar:

ClinVar aggregate classification (germline): Uncertain significance (1 of 4 stars; one submission).

Allele frequency attached by ClinVar (database versions not stated): gnomAD 0.00001; TOPMed 0.00001.

Submission:

Women's Health and Genetics/Laboratory Corporation of America, LabCorp
Classification: Uncertain significance. Last evaluated: 2022-08-25. Review status: criteria provided, single submitter. Criteria: LabCorp Variant Classification Summary - May 2015. Collection method: clinical testing. Allele origin: germline.
Comment: Variant summary: TMTC3 c.2233dupA (p.Ile745AsnfsX17) results in a premature termination codon in the last exon, predicted to cause a truncation of the encoded protein or absence of the protein. Two truncations downstream of this position have been reported in patients with with Lissencephaly, however in both patients while the families were reported to be consanguinous, the variants were reported in the compound heterozygous state and the second variants in each case has unclear significance (PMID: 27773428). The variant was absent in 249984 control chromosomes (gnomAD). To our knowledge, no occurrence of c.2233dupA in individuals affected with Lissencephaly 8 and no experimental evidence demonstrating its impact on protein function have been reported. No clinical diagnostic laboratories have submitted clinical-significance assessments for this variant to ClinVar after 2014. Based on the evidence outlined above, the variant was classified as uncertain significance.

NM_181783.4(TMTC3):c.2233dup (p.Ile745fs)

Gene: TMTC3 (transmembrane O-mannosyltransferase targeting cadherins 3; plus strand). Cytogenetic location: 12q21.32.
Variant type: Duplication.
Coding change: c.2233dup on transcript NM_181783.4 (MANE Select); coding-DNA position 2233, one base duplicated (A; older notation c.2233dupA).
Protein change: p.Ile745fs; shifts the reading frame from isoleucine 745.
Molecular consequence: frameshift variant. On other transcripts: non-coding transcript variant (1).
Genome position (GRCh38, 1-based): chr12:88,195,137, A duplicated. VCF-style (leftmost placement, unchanged base first): chr12-88195136-C-CA. GRCh37 (hg19) VCF-style: chr12-88588913-C-CA.
Other names: c.2053dup, p.Ile685fs (NM_001366574.1); c.2014dup, p.Ile672fs (NM_001366579.1); c.1966dup, p.Ile656fs (NM_001366580.1); c.1540dup, p.Ile514fs (NM_001366583.1); short protein forms I514fs, I656fs, I672fs, I685fs, I745fs.
Identifiers: ClinVar variation 1705207 (VCV001705207.1), dbSNP rs1431731915, ClinGen allele CA606676490.